The following is an entry in ClinVar:

NM_002618.4(PEX13):c.586C>T (p.Gln196Ter)

Gene: PEX13 (peroxisomal biogenesis factor 13; plus strand). Cytogenetic location: 2p15.
Variant type: single nucleotide variant.
Coding change: c.586C>T on transcript NM_002618.4 (MANE Select); coding-DNA position 586, C replaced by T.
Protein change: p.Gln196Ter; replaces glutamine 196 with a stop codon.
Molecular consequence: nonsense.
Genome position (GRCh38, 1-based): chr2:61,031,912, C>T. VCF-style: chr2-61031912-C-T. GRCh37 (hg19) VCF-style: chr2-61259047-C-T.
Other names: short protein forms Q196*.
Identifiers: ClinVar variation 573201 (VCV000573201.6), dbSNP rs1559035738, ClinGen allele CA346943974.

ClinVar aggregate classification (germline): Pathogenic (1 of 4 stars; one submission).

Conditions:
Peroxisome biogenesis disorder 11A (Zellweger). Also called: Peroxisome biogenesis disorder 11A. Identifiers: Orphanet 912, MedGen C3554000, MONDO:0013949, OMIM 614883.

Submission:

Labcorp Genetics (formerly Invitae), Labcorp
Classification: Pathogenic for Peroxisome biogenesis disorder 11A (Zellweger). Last evaluated: 2026-01-08. Review status: criteria provided, single submitter. Criteria: Invitae Variant Classification Sherloc (09022015). Collection method: clinical testing. Allele origin: germline.
Comment: This sequence change creates a premature translational stop signal (p.Gln196*) in the PEX13 gene. It is expected to result in an absent or disrupted protein product. Loss-of-function variants in PEX13 are known to be pathogenic (PMID: 10332040, 21031596). This variant is not present in population databases (gnomAD no frequency). This variant has not been reported in the literature in individuals affected with PEX13-related conditions. ClinVar contains an entry for this variant (Variation ID: 573201). For these reasons, this variant has been classified as Pathogenic.

Literature cited by the submitters: PubMed 10332040; PubMed 21031596.